The following is an entry in ClinVar:

ClinVar aggregate classification (germline): Uncertain significance. Review status: criteria provided, multiple submitters, no conflicts (2 of 4 stars). 2 submissions from 2 submitters: Uncertain significance (2). Last evaluated 2025-01-04.

Conditions:
Severe early-onset pulmonary alveolar proteinosis due to MARS deficiency. Also called: PULMONARY ALVEOLAR PROTEINOSIS, REUNION ISLAND; Interstitial lung and liver disease. Identifiers: Orphanet 440427, MedGen C4225400, MONDO:0014206, OMIM 615486.
Charcot-Marie-Tooth disease axonal type 2U. Also called: CHARCOT-MARIE-TOOTH NEUROPATHY, TYPE 2U; CHARCOT-MARIE-TOOTH DISEASE, AXONAL, AUTOSOMAL DOMINANT, TYPE 2U. Identifiers: Orphanet 397735, MedGen C4084821, MONDO:0014566, OMIM 616280.

Allele frequency attached by ClinVar (database versions not stated): gnomAD exomes 0.00002 and 0.00003; gnomAD 0.00003; TOPMed 0.00004; ExAC 0.00004.
gnomAD v4.1: 50 of 1,614,006 alleles (0.0031%); highest among the groups gnomAD compares: Non-Finnish European, 0.0038%; no homozygotes.

Submissions (2):

Ambry Genetics
Classification: Uncertain significance. Last evaluated: 2025-01-04. Review status: criteria provided, single submitter. Criteria: Ambry Variant Classification Scheme 2023. Collection method: clinical testing. Allele origin: germline.

Labcorp Genetics (formerly Invitae), Labcorp
Classification: Uncertain significance for Charcot-Marie-Tooth disease axonal type 2U; Severe early-onset pulmonary alveolar proteinosis due to MARS deficiency. Last evaluated: 2024-04-25. Review status: criteria provided, single submitter. Criteria: Invitae Variant Classification Sherloc (09022015). Collection method: clinical testing. Allele origin: germline.
Comment: This sequence change replaces asparagine, which is neutral and polar, with lysine, which is basic and polar, at codon 426 of the MARS protein (p.Asn426Lys). This variant is present in population databases (rs767132960, gnomAD 0.005%). This variant has not been reported in the literature in individuals affected with MARS-related conditions. ClinVar contains an entry for this variant (Variation ID: 654957). An algorithm developed to predict the effect of missense changes on protein structure and function (PolyPhen-2) suggests that this variant is likely to be disruptive. In summary, the available evidence is currently insufficient to determine the role of this variant in disease. Therefore, it has been classified as a Variant of Uncertain Significance.

NM_004990.4(MARS1):c.1278T>G (p.Asn426Lys)

Gene: MARS1 (methionyl-tRNA synthetase 1; plus strand). Cytogenetic location: 12q13.3.
Variant type: single nucleotide variant.
Coding change: c.1278T>G on transcript NM_004990.4 (MANE Select); coding-DNA position 1278, T replaced by G.
Protein change: p.Asn426Lys; replaces asparagine 426 with lysine.
Molecular consequence: missense variant.
Genome position (GRCh38, 1-based): chr12:57,500,507, T>G. VCF-style: chr12-57500507-T-G. GRCh37 (hg19) VCF-style: chr12-57894290-T-G.
Other names: short protein forms N426K.
Identifiers: ClinVar variation 654957 (VCV000654957.9), dbSNP rs767132960, ClinGen allele CA6650452.
Genomic context (GRCh38, chr12:57,500,507, plus strand): 5'-CTTCTGTGGCTATGAGGAGGCTCGGGGTGACCAGTGTGACAAGTGTGGCAAGCTCATCAA[T>G]GCTGTCGAGCTTAAGGTAAGAGGAGGGTCTCCATGGGAGCCCGGAAGGAGACAGTCCTTA-3'
Protein context (NP_004981.2, residues 416-436): DQCDKCGKLI[Asn426Lys]AVELKKPQCK